The following is an entry in ClinVar:

ClinVar aggregate classification (germline): Likely pathogenic (1 of 4 stars; one submission).

Conditions:
POLH-related disorder. Also called: POLH-related condition.

Submission:

PreventionGenetics, part of Exact Sciences
Classification: Likely pathogenic for POLH-related condition. Last evaluated: 2026-06-04. Review status: criteria provided, single submitter. Criteria: ACMG Guidelines, 2015. Collection method: clinical testing. Allele origin: germline.
Comment: The POLH c.55delinsTTA variant is predicted to result in a frameshift and premature protein termination (p.Val19Leufs*12). To our knowledge, this variant has not been reported in the literature or in a large population database (gnomAD), indicating this variant is rare. Frameshift variants in POLH are expected to be pathogenic. This variant is interpreted as likely pathogenic.

NM_006502.3(POLH):c.55delinsTTA (p.Val19fs)

Gene: POLH (DNA polymerase eta; plus strand). Cytogenetic location: 6p21.1.
Variant type: Indel.
Coding change: c.55delinsTTA on transcript NM_006502.3 (MANE Select); coding-DNA position 55, G replaced by TTA.
Protein change: p.Val19fs; shifts the reading frame from valine 19.
Molecular consequence: frameshift variant. On other transcripts: intron variant (1).
Genome position (GRCh38, 1-based): chr6:43,582,374, G replaced by TTA. VCF-style: chr6-43582374-G-TTA. GRCh37 (hg19) VCF-style: chr6-43550111-G-TTA.
Other names: c.55delinsTTA, p.Val19fs (NM_001291970.2); c.55delGinsTTA, p.Val19Leufs (NM_006502.2); c.-17-633delinsTTA (NM_001291969.2); short protein forms V19fs.
Identifiers: ClinVar variation 4994414 (VCV004994414.1).